The following is an entry in ClinVar:

NM_000053.4(ATP7B):c.307G>A (p.Val103Met)

Gene: ATP7B (ATPase copper transporting beta; minus strand). Cytogenetic location: 13q14.3.
Variant type: single nucleotide variant.
Coding change: c.307G>A on transcript NM_000053.4 (MANE Select); coding-DNA position 307, G replaced by A.
Protein change: p.Val103Met; replaces valine 103 with methionine.
Molecular consequence: missense variant.
Genome position (GRCh38, 1-based): chr13:51,974,913, C>T on the plus strand (G>A on the coding strand, the complement: ATP7B is on the minus strand). VCF-style: chr13-51974913-C-T. GRCh37 (hg19) VCF-style: chr13-52549049-C-T.
Other names: c.307G>A, p.Val103Met (NM_001005918.3, NM_001243182.2, NM_001330578.2 and 30 more transcripts); c.211G>A, p.Val71Met (NM_001406530.1, NM_001406536.1, NM_001406517.1 and 4 more transcripts); short protein forms V103M, V71M.
Identifiers: ClinVar variation 3074455 (VCV003074455.1), dbSNP rs778117355, ClinGen allele CA6989589.

ClinVar aggregate classification (germline): Uncertain significance (1 of 4 stars; one submission).

Conditions:
Wilson disease (WND). Also called: Wilson's disease. Identifiers: Orphanet 905, MedGen C0019202, MONDO:0010200, OMIM 277900. Disease mechanism: loss of function.

Allele frequency attached by ClinVar (database versions not stated): TOPMed below 0.00001; ExAC 0.00001; gnomAD 0.00001.
gnomAD v4.1: 1 of 1,614,114 alleles (0.000062%); highest among the groups gnomAD compares: East Asian, 0.0022%; no homozygotes.

Submission:

All of Us Research Program, National Institutes of Health
Classification: Uncertain significance for Wilson disease. Last evaluated: 2023-11-20. Review status: criteria provided, single submitter. Criteria: ACMG Guidelines, 2015. Collection method: clinical testing. Allele origin: germline. Inheritance: Autosomal recessive inheritance. Observed: 1 variant allele, 1 heterozygote.
Comment: This missense variant replaces valine with methionine at codon 103 of the ATP7B protein. Computational prediction suggests that this variant may not impact protein structure and function (internally defined REVEL score threshold <= 0.5, PMID: 27666373). To our knowledge, functional studies have not been reported for this variant. This variant has not been reported in individuals affected with ATP7B-related disorders in the literature. This variant has been identified in 1/249412 chromosomes in the general population by the Genome Aggregation Database (gnomAD). The available evidence is insufficient to determine the role of this variant in disease conclusively. Therefore, this variant is classified as a Variant of Uncertain Significance.

This study involves interpretation of variants in research participants for the purpose of population health screening. Participant phenotype was not available at the time of variant classification. Additional details can be found in publication PMID: 35346344, PMCID: PMC8962531